The following is an entry in ClinVar:

ClinVar aggregate classification (germline): Benign. Review status: criteria provided, multiple submitters, no conflicts (2 of 4 stars). 4 submissions from 4 submitters: Benign (3). 1 of the submissions does not count toward it. Last evaluated 2026-02-01.

Conditions:
Autoimmune enteropathy and endocrinopathy - susceptibility to chronic infections syndrome. Also called: Immunodeficiency 31C; Immunodeficiency 31C, autosomal dominant. Identifiers: Orphanet 391487, MedGen C3279990, MONDO:0013599, OMIM 614162.
Mendelian susceptibility to mycobacterial diseases due to partial STAT1 deficiency. Also called: IMMUNODEFICIENCY 31A, MYCOBACTERIOSIS, AUTOSOMAL DOMINANT; STAT1 DEFICIENCY, AUTOSOMAL DOMINANT; Immunodeficiency 31a. Identifiers: Orphanet 319595, MedGen C4013950, MONDO:0013956, OMIM 614892.
Immunodeficiency 31B. Also called: IMMUNODEFICIENCY 31B, MYCOBACTERIAL AND VIRAL INFECTIONS, AUTOSOMAL RECESSIVE; STAT1 DEFICIENCY, AUTOSOMAL RECESSIVE. Identifiers: Orphanet 391311, MedGen C3151088, MONDO:0013427, OMIM 613796.
STAT1-related disorder. Also called: STAT1-related condition.

Allele frequency attached by ClinVar (database versions not stated): gnomAD exomes 0.00095 and 0.00330; gnomAD 0.00106 and 0.00151; TOPMed 0.00180; ExAC 0.00317; 1000 Genomes Project 30x 0.01140; 1000 Genomes Project 0.01198.
gnomAD v4.1: 1,691 of 1,613,122 alleles (0.1%); highest among the groups gnomAD compares: East Asian, 3.3%; 35 homozygotes.

Submissions (4):

Labcorp Genetics (formerly Invitae), Labcorp
Classification: Benign for Mendelian susceptibility to mycobacterial diseases due to partial STAT1 deficiency; Immunodeficiency 31B; Autoimmune enteropathy and endocrinopathy - susceptibility to chronic infections syndrome. Last evaluated: 2026-02-01. Review status: criteria provided, single submitter. Criteria: Invitae Variant Classification Sherloc (09022015). Collection method: clinical testing. Allele origin: germline.

Illumina Laboratory Services, Illumina
Classification: Benign for Mendelian susceptibility to mycobacterial diseases due to partial STAT1 deficiency. Last evaluated: 2018-01-12. Review status: criteria provided, single submitter. Criteria: ICSL Variant Classification Criteria 13 December 2019. Collection method: clinical testing. Allele origin: germline.
Comment: This variant was observed in the ICSL laboratory as part of a predisposition screen in an ostensibly healthy population. It had not been previously curated by ICSL or reported in the Human Gene Mutation Database (HGMD: prior to June 1st, 2018), and was therefore a candidate for classification through an automated scoring system. Utilizing variant allele frequency, disease prevalence and penetrance estimates, and inheritance mode, an automated score was calculated to assess if this variant is too frequent to cause the disease. Based on the score and internal cut-off values, a variant classified as benign is not then subjected to further curation. The score for this variant resulted in a classification of benign for this disease.

Breakthrough Genomics
Classification: Benign. Review status: criteria provided, single submitter. Criteria: ACMG Guidelines, 2015. Collection method: not provided. Allele origin: germline. Inheritance: Autosomal recessive inheritance. Affected: yes.

PreventionGenetics, part of Exact Sciences
Classification: Benign for STAT1-related condition. Last evaluated: 2024-03-26. Review status: no assertion criteria provided. Collection method: clinical testing. Allele origin: germline. Not counted in ClinVar's aggregate classification.
Comment: This variant is classified as benign based on ACMG/AMP sequence variant interpretation guidelines (Richards et al. 2015 PMID: 25741868, with internal and published modifications).

NM_007315.4(STAT1):c.354C>T (p.Asn118=)

Gene: STAT1 (signal transducer and activator of transcription 1; minus strand). Cytogenetic location: 2q32.2.
Variant type: single nucleotide variant.
Coding change: c.354C>T on transcript NM_007315.4 (MANE Select); coding-DNA position 354, C replaced by T.
Protein change: p.Asn118=; no amino-acid change (asparagine 118 retained).
Molecular consequence: synonymous variant.
Genome position (GRCh38, 1-based): chr2:191,007,581, G>A on the plus strand (C>T on the coding strand, the complement: STAT1 is on the minus strand). VCF-style: chr2-191007581-G-A. GRCh37 (hg19) VCF-style: chr2-191872307-G-A.
Other names: c.354C>T, p.Asn118= (NM_001384880.1, NM_001384882.1, NM_001384883.1 and 7 more transcripts); c.360C>T, p.Asn120= (NM_001384881.1, NM_001384884.1); c.390C>T, p.Asn130= (NM_001384891.1).
Identifiers: ClinVar variation 333290 (VCV000333290.17), dbSNP rs45463799, ClinGen allele CA2030273.